The following is an entry in ClinVar:

NM_007294.4(BRCA1):c.2624C>T (p.Pro875Leu)

Gene: BRCA1 (BRCA1 DNA repair associated; minus strand). Cytogenetic location: 17q21.31.
Variant type: single nucleotide variant.
Coding change: c.2624C>T on transcript NM_007294.4 (MANE Select); coding-DNA position 2624, C replaced by T.
Protein change: p.Pro875Leu; replaces proline 875 with leucine.
Molecular consequence: missense variant. On other transcripts: intron variant (137).
Genome position (GRCh38, 1-based): chr17:43,092,907, G>A on the plus strand (C>T on the coding strand, the complement: BRCA1 is on the minus strand). VCF-style: chr17-43092907-G-A. GRCh37 (hg19) VCF-style: chr17-41244924-G-A.
Other names: c.2624C>T, p.Pro875Leu (NM_001407603.1, NM_001407605.1, NM_001407581.1 and 30 more transcripts); c.2621C>T, p.Pro874Leu (NM_001407610.1, NM_001407611.1, NM_001407612.1 and 22 more transcripts); c.2411C>T, p.Pro804Leu (NM_001407571.1, NM_001407853.1, NM_001407894.1 and 9 more transcripts); c.2615C>T, p.Pro872Leu (NM_001407646.1, NM_001407647.1); c.2543C>T, p.Pro848Leu (NM_001407659.1, NM_001407660.1, NM_001407661.1 and 1 more transcripts); c.2546C>T, p.Pro849Leu (NM_001407663.1, NM_001407653.1, NM_001407654.1 and 4 more transcripts); c.2501C>T, p.Pro834Leu (NM_001407664.1, NM_001407665.1, NM_001407666.1 and 19 more transcripts); c.2498C>T, p.Pro833Leu (NM_001407685.1, NM_001407686.1, NM_001407940.1 and 11 more transcripts); and 41 more; short protein forms P828L, P875L, P707L, P763L, P764L, P805L, P827L, P849L.
Identifiers: ClinVar variation 1522093 (VCV001522093.10), dbSNP rs867654871, ClinGen allele CA10596744.

ClinVar aggregate classification (germline): Conflicting classifications of pathogenicity. Review status: criteria provided, conflicting classifications (1 of 4 stars). 3 submissions from 3 submitters: Uncertain significance (2); Likely benign (1). Last evaluated 2025-07-28.

Conditions:
Hereditary cancer-predisposing syndrome. Also called: Hereditary neoplastic syndrome; Hereditary Cancer Syndrome; Tumor predisposition; Neoplastic Syndromes, Hereditary. Identifiers: Orphanet 140162, MedGen C0027672, MeSH D009386, MONDO:0015356.
Hereditary breast ovarian cancer syndrome. Also called: Hereditary breast and ovarian cancer syndrome; Hereditary breast and/or ovarian cancer syndrome; BRCA1- and BRCA2-Associated Hereditary Breast and Ovarian Cancer; Hereditary breast and ovarian cancer syndrome (HBOC); Breast and ovarian cancer; Hereditary breast and ovarian cancer. Identifiers: Orphanet 145, MedGen C0677776, MeSH D061325, MONDO:0003582. Disease mechanism: loss of function.

Submissions (3):

Color Diagnostics, LLC DBA Color Health
Classification: Uncertain significance for Hereditary cancer-predisposing syndrome. Last evaluated: 2025-07-28. Review status: criteria provided, single submitter. Criteria: ACMG Guidelines, 2015. Collection method: clinical testing. Allele origin: germline.
Comment: This missense variant replaces proline with leucine at codon 875 of the BRCA1 protein. Computational prediction suggests that this variant may not impact protein structure and function. A functional study has reported that this variant has a probability of being loss-of-function of 0.361 or indeterminant in a haploid cell growth assay (PMID: 33691754). This variant has not been reported in individuals affected with BRCA1-related disorders in the literature. This variant has not been identified in the general population by the Genome Aggregation Database (gnomAD). The available evidence is insufficient to determine the role of this variant in disease conclusively. Therefore, this variant is classified as a Variant of Uncertain Significance.

Labcorp Genetics (formerly Invitae), Labcorp
Classification: Uncertain significance for Hereditary breast ovarian cancer syndrome. Last evaluated: 2024-05-22. Review status: criteria provided, single submitter. Criteria: Invitae Variant Classification Sherloc (09022015). Collection method: clinical testing. Allele origin: germline.
Comment: This sequence change replaces proline, which is neutral and non-polar, with leucine, which is neutral and non-polar, at codon 875 of the BRCA1 protein (p.Pro875Leu). This variant is not present in population databases (gnomAD no frequency). This variant has not been reported in the literature in individuals affected with BRCA1-related conditions. ClinVar contains an entry for this variant (Variation ID: 1522093). Advanced modeling of protein sequence and biophysical properties (such as structural, functional, and spatial information, amino acid conservation, physicochemical variation, residue mobility, and thermodynamic stability) performed at Invitae indicates that this missense variant is not expected to disrupt BRCA1 protein function with a negative predictive value of 95%. In summary, the available evidence is currently insufficient to determine the role of this variant in disease. Therefore, it has been classified as a Variant of Uncertain Significance.

University of Washington Department of Laboratory Medicine, University of Washington
Classification: Likely benign for Hereditary cancer-predisposing syndrome. Last evaluated: 2023-03-23. Review status: criteria provided, single submitter. Criteria: Dines et al. (Genet Med. 2020). Collection method: curation. Allele origin: germline.
Comment: Missense variant in a coldspot region where missense variants are very unlikely to be pathogenic (PMID:31911673).

BRCA1 coldspot (exon 11 using historical exon numbering). Reclassification based on statistical prior probability

Literature cited by the submitters: PubMed 33691754 (cited by Color Diagnostics, LLC DBA Color Health).